The following is an entry in ClinVar:

NM_001715.3(BLK):c.1422C>T (p.Arg474=)

Gene: BLK (BLK proto-oncogene, Src family tyrosine kinase). Cytogenetic location: 8p23.1.
Variant type: single nucleotide variant.
Coding change: c.1422C>T on transcript NM_001715.3 (MANE Select); coding-DNA position 1422, C replaced by T.
Protein change: p.Arg474=; no amino-acid change (arginine 474 retained).
Molecular consequence: synonymous variant.
Genome position (GRCh38, 1-based): chr8:11,564,012, C>T. VCF-style: chr8-11564012-C-T. GRCh37 (hg19) VCF-style: chr8-11421521-C-T.
Other names: c.1209C>T, p.Arg403= (NM_001330465.2).
Identifiers: ClinVar variation 2085024 (VCV002085024.10), dbSNP rs746946632, ClinGen allele CA4630517.
Genomic context (GRCh38, chr8:11,564,012, plus strand): 5'-GCCGCGCCCCGACACCTGCCCGCCCGAGCTGTACCGCGGCGTCATCGCCGAGTGCTGGCG[C>T]AGCCGGCCCGAGGAGCGGCCCACCTTCGAGTTCCTGCAGTCGGTGCTGGAGGACTTCTAC-3'
Protein context (NP_001706.2, residues 464-484): LYRGVIAECW[Arg474=]SRPEERPTFE

ClinVar aggregate classification (germline): Likely benign. Review status: criteria provided, multiple submitters, no conflicts (2 of 4 stars). 2 submissions from 2 submitters: Likely benign (2). Last evaluated 2026-07-01.

Allele frequency attached by ClinVar (database versions not stated): ExAC 0.00003; gnomAD 0.00007; TOPMed 0.00008.
gnomAD v4.1: 296 of 1,605,244 alleles (0.018%); highest among the groups gnomAD compares: Non-Finnish European, 0.022%; no homozygotes.

Submissions (2):

CeGaT Center for Human Genetics Tuebingen
Classification: Likely benign. Last evaluated: 2026-07-01. Review status: criteria provided, single submitter. Criteria: CeGaT Center For Human Genetics Tuebingen Variant Classification Criteria Version 2. Collection method: clinical testing. Allele origin: germline. Affected: yes. Observed: 2 variant alleles.
Comment: BLK: BP4, BP7

Labcorp Genetics (formerly Invitae), Labcorp
Classification: Likely benign. Last evaluated: 2024-04-10. Review status: criteria provided, single submitter. Criteria: Invitae Variant Classification Sherloc (09022015). Collection method: clinical testing. Allele origin: germline.